The following is an entry in ClinVar:

ClinVar aggregate classification (germline): Pathogenic (1 of 4 stars; one submission).

Conditions:
Birt-Hogg-Dube syndrome. Also called: Birt Hogg Dubé syndrome. Identifiers: Orphanet 122, MedGen C0346010, MONDO:0800444.

Submission:

Labcorp Genetics (formerly Invitae), Labcorp
Classification: Pathogenic for Birt-Hogg-Dube syndrome. Last evaluated: 2021-11-20. Review status: criteria provided, single submitter. Criteria: Invitae Variant Classification Sherloc (09022015). Collection method: clinical testing. Allele origin: germline.
Comment: For these reasons, this variant has been classified as Pathogenic. This variant has not been reported in the literature in individuals affected with FLCN-related conditions. This variant is a gross deletion of the genomic region encompassing exon(s) 4 of the FLCN gene, which includes the initiator codon. This deletion extends beyond the assayed region for this gene and therefore may encompass additional genes. It is expected to result in an absent or disrupted protein product. Loss-of-function variants in FLCN are known to be pathogenic (PMID: 15852235).

Literature cited by the submitters: PubMed 15852235.

NC_000017.10:g.(?_17131193)_(17131475_?)del

Gene: FLCN (folliculin; minus strand). Cytogenetic location: 17p11.2.
Variant type: Deletion.
Identifiers: ClinVar variation 1451945 (VCV001451945.6).